The following is an entry in ClinVar:

ClinVar aggregate classification (germline): Uncertain significance (1 of 4 stars; one submission).

gnomAD v4.1: 1 of 1,614,080 alleles (0.000062%); highest among the groups gnomAD compares: Non-Finnish European, 0.000085%; no homozygotes.

Submission:

Labcorp Genetics (formerly Invitae), Labcorp
Classification: Uncertain significance. Last evaluated: 2025-07-16. Review status: criteria provided, single submitter. Criteria: Invitae Variant Classification Sherloc (09022015). Collection method: clinical testing. Allele origin: germline.
Comment: This sequence change replaces tyrosine, which is neutral and polar, with serine, which is neutral and polar, at codon 1920 of the CACNA1D protein (p.Tyr1920Ser). This variant is present in population databases (no rsID available, gnomAD 0.0009%). This variant has not been reported in the literature in individuals affected with CACNA1D-related conditions. ClinVar contains an entry for this variant (Variation ID: 2700771). An algorithm developed to predict the effect of missense changes on protein structure and function (PolyPhen-2) suggests that this variant is likely to be tolerated. In summary, the available evidence is currently insufficient to determine the role of this variant in disease. Therefore, it has been classified as a Variant of Uncertain Significance.

NM_001128840.3(CACNA1D):c.5699A>C (p.Tyr1900Ser)

Gene: CACNA1D (calcium voltage-gated channel subunit alpha1 D; plus strand). Cytogenetic location: 3p21.1.
Variant type: single nucleotide variant.
Coding change: c.5699A>C on transcript NM_001128840.3 (MANE Select); coding-DNA position 5699, A replaced by C.
Protein change: p.Tyr1900Ser; replaces tyrosine 1900 with serine.
Molecular consequence: missense variant.
Genome position (GRCh38, 1-based): chr3:53,805,096, A>C. VCF-style: chr3-53805096-A-C. GRCh37 (hg19) VCF-style: chr3-53839123-A-C.
Other names: c.5759A>C, p.Tyr1920Ser (NM_000720.4); c.5627A>C, p.Tyr1876Ser (NM_001128839.3); short protein forms Y1900S, Y1920S, Y1876S.
Identifiers: ClinVar variation 2700771 (VCV002700771.3), dbSNP rs772551322, ClinGen allele CA353254727.